The following is an entry in ClinVar:

NM_017633.3(TENT5A):c.143T>G (p.Phe48Cys)

Gene: TENT5A (terminal nucleotidyltransferase 5A; minus strand). Cytogenetic location: 6q14.1.
Variant type: single nucleotide variant.
Coding change: c.143T>G on transcript NM_017633.3 (MANE Select); coding-DNA position 143, T replaced by G.
Protein change: p.Phe48Cys; replaces phenylalanine 48 with cysteine.
Molecular consequence: missense variant.
Genome position (GRCh38, 1-based): chr6:81,751,999, A>C on the plus strand (T>G on the coding strand, the complement: TENT5A is on the minus strand). VCF-style: chr6-81751999-A-C. GRCh37 (hg19) VCF-style: chr6-82461716-A-C.
Other names: short protein forms F48C.
Identifiers: ClinVar variation 1680606 (VCV001680606.4), dbSNP rs766467765, ClinGen allele CA3903064.

ClinVar aggregate classification (germline): Uncertain significance (1 of 4 stars; one submission).

Allele frequency attached by ClinVar (database versions not stated): TOPMed 0.00002; gnomAD 0.00003; gnomAD exomes 0.00003 and 0.00004; ExAC 0.00005.

Submission:

Labcorp Genetics (formerly Invitae), Labcorp
Classification: Uncertain significance. Last evaluated: 2021-11-25. Review status: criteria provided, single submitter. Criteria: Invitae Variant Classification Sherloc (09022015). Collection method: clinical testing. Allele origin: germline.
Comment: The frequency data for this variant in the population databases is considered unreliable, as metrics indicate poor data quality at this position in the gnomAD database. In summary, the available evidence is currently insufficient to determine the role of this variant in disease. Therefore, it has been classified as a Variant of Uncertain Significance. Algorithms developed to predict the effect of missense changes on protein structure and function are either unavailable or do not agree on the potential impact of this missense change (SIFT: "Tolerated"; PolyPhen-2: "Not Available"; Align-GVGD: "Class C0"). This variant has not been reported in the literature in individuals affected with FAM46A-related conditions. This sequence change replaces phenylalanine, which is neutral and non-polar, with cysteine, which is neutral and slightly polar, at codon 48 of the FAM46A protein (p.Phe48Cys).